The following is an entry in ClinVar:

NM_001377530.1(DMBT1):c.155C>G (p.Ser52Trp)

Gene: DMBT1 (deleted in malignant brain tumors 1; plus strand). Cytogenetic location: 10q26.13.
Variant type: single nucleotide variant.
Coding change: c.155C>G on transcript NM_001377530.1 (MANE Select); coding-DNA position 155, C replaced by G.
Protein change: p.Ser52Trp; replaces serine 52 with tryptophan.
Molecular consequence: missense variant.
Genome position (GRCh38, 1-based): chr10:122,570,905, C>G. VCF-style: chr10-122570905-C-G. GRCh37 (hg19) VCF-style: chr10-124330421-C-G.
Other names: c.155C>G, p.Ser52Trp (NM_001320644.2, NM_004406.3, NM_007329.3 and 1 more transcripts); short protein forms S52W.
Identifiers: ClinVar variation 3037372 (VCV003037372.2), dbSNP rs75209396, ClinGen allele CA5726284.

ClinVar aggregate classification (germline): Benign (0 of 4 stars; one submission).

Conditions:
DMBT1-related disorder. Also called: DMBT1-related condition.

Allele frequency attached by ClinVar (database versions not stated): ESP Exome Variant Server 0.05908; 1000 Genomes Project 0.06569; 1000 Genomes Project 30x 0.06886.
gnomAD v4.1: 24,272 of 1,613,340 alleles (1.5%); highest among the groups gnomAD compares: African/African-American, 19%; 1,509 homozygotes.

Submission:

PreventionGenetics, part of Exact Sciences
Classification: Benign for DMBT1-related condition. Last evaluated: 2019-06-05. Review status: no assertion criteria provided. Collection method: clinical testing. Allele origin: germline.
Comment: This variant is classified as benign based on ACMG/AMP sequence variant interpretation guidelines (Richards et al. 2015 PMID: 25741868, with internal and published modifications).